The following is an entry in ClinVar:

NM_001374353.1(GLI2):c.1537G>C (p.Glu513Gln)

Gene: GLI2 (GLI family zinc finger 2; plus strand). Cytogenetic location: 2q14.2.
Variant type: single nucleotide variant.
Coding change: c.1537G>C on transcript NM_001374353.1 (MANE Select); coding-DNA position 1537, G replaced by C.
Protein change: p.Glu513Gln; replaces glutamic acid 513 with glutamine.
Molecular consequence: missense variant.
Genome position (GRCh38, 1-based): chr2:120,982,785, G>C. VCF-style: chr2-120982785-G-C. GRCh37 (hg19) VCF-style: chr2-121740361-G-C.
Other names: c.1588G>C, p.Glu530Gln (NM_001371271.1, NM_005270.5); c.1162G>C, p.Glu388Gln (NM_001374354.1); short protein forms E513Q, E388Q, E530Q.
Identifiers: ClinVar variation 2112303 (VCV002112303.4), dbSNP rs2467741536, ClinGen allele CA348162180.
Genomic context (GRCh38, chr2:120,982,785, plus strand): 5'-TGCTCGAAGGCCTACTCCCGCCTGGAGAACCTGAAGACACACCTGCGGTCCCACACCGGG[G>C]AGAAGCCATATGTGTGTGAGCACGAGGGCTGCAACAAAGCCTTCTCCAACGCCTCGGACC-3'
Protein context (NP_001361282.1, residues 503-523): LKTHLRSHTG[Glu513Gln]KPYVCEHEGC

ClinVar aggregate classification (germline): Uncertain significance (1 of 4 stars; one submission).

Conditions:
Postaxial polydactyly-anterior pituitary anomalies-facial dysmorphism syndrome. Also called: Culler-Jones syndrome. Identifiers: Orphanet 420584, MedGen C4014479, MONDO:0014369, OMIM 615849.
Holoprosencephaly 9 (HPE9). Also called: PITUITARY ANOMALIES WITH HOLOPROSENCEPHALY-LIKE FEATURES; HOLOPROSENCEPHALY WITH MICROPHTHALMIA AND FIRST BRANCHIAL ARCH ANOMALIES. Identifiers: Orphanet 2162, MedGen C1835819, MONDO:0012563, OMIM 610829.

Submission:

Labcorp Genetics (formerly Invitae), Labcorp
Classification: Uncertain significance for Postaxial polydactyly-anterior pituitary anomalies-facial dysmorphism syndrome; Holoprosencephaly 9. Last evaluated: 2022-08-16. Review status: criteria provided, single submitter. Criteria: Invitae Variant Classification Sherloc (09022015). Collection method: clinical testing. Allele origin: germline.
Comment: This variant is not present in population databases (gnomAD no frequency). This sequence change replaces glutamic acid, which is acidic and polar, with glutamine, which is neutral and polar, at codon 530 of the GLI2 protein (p.Glu530Gln). In summary, the available evidence is currently insufficient to determine the role of this variant in disease. Therefore, it has been classified as a Variant of Uncertain Significance. Algorithms developed to predict the effect of missense changes on protein structure and function are either unavailable or do not agree on the potential impact of this missense change (SIFT: "Deleterious"; PolyPhen-2: "Probably Damaging"; Align-GVGD: "Class C0"). This variant has not been reported in the literature in individuals affected with GLI2-related conditions.